The following is an entry in ClinVar:

ClinVar aggregate classification (germline): Benign. Review status: criteria provided, multiple submitters, no conflicts (2 of 4 stars). 3 submissions from 2 submitters: Benign (3). Last evaluated 2018-01-13.

Conditions:
Sacral defect with anterior meningocele. Identifiers: MedGen C1838568, OMIM 600145.
Neural tube defect (NTD). Also called: Neural tube defects. Identifiers: Orphanet 3388, Orphanet 823, MedGen C0027794, MONDO:0018075, HP:0045005.

Allele frequency attached by ClinVar (database versions not stated): gnomAD 0.41734 and 0.41872; TOPMed 0.42226; 1000 Genomes Project 0.44209; 1000 Genomes Project 30x 0.44769; gnomAD exomes 1.00000.
gnomAD v4.1: 63,517 of 152,048 alleles (42%); highest among the groups gnomAD compares: African/African-American, 50%; 13,544 homozygotes.

Submissions (3):

Illumina Laboratory Services, Illumina
Classification: Benign for Neural tube defects, susceptibility to. Last evaluated: 2018-01-13. Review status: criteria provided, single submitter. Criteria: ICSL Variant Classification Criteria 13 December 2019. Collection method: clinical testing. Allele origin: germline.
Comment: This variant was observed in the ICSL laboratory as part of a predisposition screen in an ostensibly healthy population. It had not been previously curated by ICSL or reported in the Human Gene Mutation Database (HGMD: prior to June 1st, 2018), and was therefore a candidate for classification through an automated scoring system. Utilizing variant allele frequency, disease prevalence and penetrance estimates, and inheritance mode, an automated score was calculated to assess if this variant is too frequent to cause the disease. Based on the score and internal cut-off values, a variant classified as benign is not then subjected to further curation. The score for this variant resulted in a classification of benign for this disease.

Illumina Laboratory Services, Illumina
Classification: Benign for Sacral defect with anterior meningocele. Last evaluated: 2018-01-13. Review status: criteria provided, single submitter. Criteria: ICSL Variant Classification Criteria 13 December 2019. Collection method: clinical testing. Allele origin: germline.
Comment: the same text as in the submission from Illumina Laboratory Services, Illumina above.

Breakthrough Genomics
Classification: Benign. Review status: criteria provided, single submitter. Criteria: ACMG Guidelines, 2015. Collection method: not provided. Allele origin: germline. Inheritance: Autosomal dominant inheritance. Affected: yes.

NM_138959.3(VANGL1):c.*2351T>G

Gene: VANGL1 (VANGL planar cell polarity protein 1; plus strand). Cytogenetic location: 1p13.1.
Variant type: single nucleotide variant.
Coding change: c.*2351T>G on transcript NM_138959.3 (MANE Select); 2351 bases downstream of the stop codon, T replaced by G.
Molecular consequence: 3 prime UTR variant.
Genome position (GRCh38, 1-based): chr1:115,693,730, T>G. VCF-style: chr1-115693730-T-G. GRCh37 (hg19) VCF-style: chr1-116236351-T-G.
Other names: c.*2351T>G (NM_001172411.2, NM_001172412.2).
Identifiers: ClinVar variation 292052 (VCV000292052.6), dbSNP rs12121158, ClinGen allele CA10607676.